The following is an entry in ClinVar:

ClinVar aggregate classification (germline): Likely benign (0 of 4 stars; one submission).

Conditions:
NCAPG2-related disorder. Also called: NCAPG2-related condition.

Allele frequency attached by ClinVar (database versions not stated): gnomAD exomes 0.00004; ExAC 0.00016; gnomAD 0.00026; TOPMed 0.00027; 1000 Genomes Project 30x 0.00031; 1000 Genomes Project 0.00040; ESP Exome Variant Server 0.00059.
gnomAD v4.1: 101 of 1,610,428 alleles (0.0063%); highest among the groups gnomAD compares: African/African-American, 0.073%; no homozygotes.

Submission:

PreventionGenetics, part of Exact Sciences
Classification: Likely benign for NCAPG2-related condition. Last evaluated: 2019-07-11. Review status: no assertion criteria provided. Collection method: clinical testing. Allele origin: germline.
Comment: This variant is classified as likely benign based on ACMG/AMP sequence variant interpretation guidelines (Richards et al. 2015 PMID: 25741868, with internal and published modifications).

NM_017760.7(NCAPG2):c.732C>T (p.His244=)

Gene: NCAPG2 (non-SMC condensin II complex subunit G2; minus strand). Cytogenetic location: 7q36.3.
Variant type: single nucleotide variant.
Coding change: c.732C>T on transcript NM_017760.7 (MANE Select); coding-DNA position 732, C replaced by T.
Protein change: p.His244=; no amino-acid change (histidine 244 retained).
Molecular consequence: synonymous variant. On other transcripts: non-coding transcript variant (1).
Genome position (GRCh38, 1-based): chr7:158,687,383, G>A on the plus strand (C>T on the coding strand, the complement: NCAPG2 is on the minus strand). VCF-style: chr7-158687383-G-A. GRCh37 (hg19) VCF-style: chr7-158480075-G-A.
Other names: c.732C>T, p.His244= (NM_001281932.2, NM_001281933.2).
Identifiers: ClinVar variation 3049792 (VCV003049792.2), dbSNP rs372309426, ClinGen allele CA4593046.
Genomic context (GRCh38, chr7:158,687,383, plus strand): 5'-AATCTTCAGTACTTTTAACACTTACTTTTGTAATCCCTGTAACTGGTTTTTAATGGTCCC[G>A]TGGATCATTTTGATGAAGTTGATATTCCAGTTGAAGAGACAACTAAGAAATCTTCTTCCC-3'
Protein context (NP_060230.5, residues 234-254): NWNINFIKMI[His244=]GTIKNQLQGL